The following is an entry in ClinVar:

ClinVar aggregate classification (germline): Likely benign (1 of 4 stars; one submission).

gnomAD v4.1: 2 of 1,612,500 alleles (0.00012%); highest among the groups gnomAD compares: East Asian, 0.0022%; no homozygotes.

Submission:

CeGaT Center for Human Genetics Tuebingen
Classification: Likely benign. Last evaluated: 2025-01-01. Review status: criteria provided, single submitter. Criteria: CeGaT Center For Human Genetics Tuebingen Variant Classification Criteria Version 2. Collection method: clinical testing. Allele origin: germline. Affected: yes. Observed: 1 variant allele.
Comment: TANC2: BP4, BP7

NM_001394998.1(TANC2):c.1041C>T (p.Ser347=)

Gene: TANC2 (tetratricopeptide repeat, ankyrin repeat and coiled-coil containing 2; plus strand). Cytogenetic location: 17q23.3.
Variant type: single nucleotide variant.
Coding change: c.1041C>T on transcript NM_001394998.1 (MANE Select); coding-DNA position 1041, C replaced by T.
Protein change: p.Ser347=; no amino-acid change (serine 347 retained).
Molecular consequence: synonymous variant.
Genome position (GRCh38, 1-based): chr17:63,267,755, C>T. VCF-style: chr17-63267755-C-T. GRCh37 (hg19) VCF-style: chr17-61345116-C-T.
Other names: c.819C>T, p.Ser273= (NM_001411076.1, NM_025185.4).
Identifiers: ClinVar variation 3772307 (VCV003772307.13).